The following is an entry in ClinVar:

NM_005157.6(ABL1):c.2552T>C (p.Val851Ala)

Gene: ABL1 (ABL proto-oncogene 1, non-receptor tyrosine kinase; plus strand). Cytogenetic location: 9q34.12.
Variant type: single nucleotide variant.
Coding change: c.2552T>C on transcript NM_005157.6 (MANE Select); coding-DNA position 2552, T replaced by C.
Protein change: p.Val851Ala; replaces valine 851 with alanine.
Molecular consequence: missense variant.
Genome position (GRCh38, 1-based): chr9:130,884,842, T>C. VCF-style: chr9-130884842-T-C. GRCh37 (hg19) VCF-style: chr9-133760229-T-C.
Other names: c.2609T>C, p.Val870Ala (NM_007313.3); short protein forms V851A, V870A.
Identifiers: ClinVar variation 3635943 (VCV003635943.2).
Genomic context (GRCh38, chr9:130,884,842, plus strand): 5'-CCCACAAGGAAGAAGCTGGAAAGGGCAGTGCCTTAGGGACCCCTGCTGCAGCTGAGCCAG[T>C]GACCCCCACCAGCAAAGCAGGCTCAGGTGCACCAGGGGGCACCAGCAAGGGCCCCGCCGA-3'
Protein context (NP_005148.2, residues 841-861): ALGTPAAAEP[Val851Ala]TPTSKAGSGA

ClinVar aggregate classification (germline): Uncertain significance (1 of 4 stars; one submission).

Submission:

Labcorp Genetics (formerly Invitae), Labcorp
Classification: Uncertain significance. Last evaluated: 2024-04-15. Review status: criteria provided, single submitter. Criteria: Invitae Variant Classification Sherloc (09022015). Collection method: clinical testing. Allele origin: germline.
Comment: This sequence change replaces valine, which is neutral and non-polar, with alanine, which is neutral and non-polar, at codon 870 of the ABL1 protein (p.Val870Ala). This variant is not present in population databases (gnomAD no frequency). This variant has not been reported in the literature in individuals affected with ABL1-related conditions. Advanced modeling of protein sequence and biophysical properties (such as structural, functional, and spatial information, amino acid conservation, physicochemical variation, residue mobility, and thermodynamic stability) performed at Invitae indicates that this missense variant is not expected to disrupt ABL1 protein function with a negative predictive value of 95%. In summary, the available evidence is currently insufficient to determine the role of this variant in disease. Therefore, it has been classified as a Variant of Uncertain Significance.